The following is an entry in ClinVar:

NM_031935.3(HMCN1):c.15556G>A (p.Asp5186Asn)

Gene: HMCN1 (hemicentin 1; plus strand). Cytogenetic location: 1q31.1.
Variant type: single nucleotide variant.
Coding change: c.15556G>A on transcript NM_031935.3 (MANE Select); coding-DNA position 15556, G replaced by A.
Protein change: p.Asp5186Asn; replaces aspartic acid 5186 with asparagine.
Molecular consequence: missense variant.
Genome position (GRCh38, 1-based): chr1:186,166,924, G>A. VCF-style: chr1-186166924-G-A. GRCh37 (hg19) VCF-style: chr1-186136056-G-A.
Other names: short protein forms D5186N.
Identifiers: ClinVar variation 2050360 (VCV002050360.4), dbSNP rs2528215593, ClinGen allele CA343930657.
Genomic context (GRCh38, chr1:186,166,924, plus strand): 5'-AATACGATTGGATCTTATCGCTGTGTGGTCCGTTGTGGAAGTGGCTTTCGAAGAACCTCT[G>A]ATGGGCTGAGTTGTCAAGGTATAAAAATGGAGGCCTTTTCTTTATGTTCATGACAGTAAG-3'
Protein context (NP_114141.2, residues 5176-5196): RCGSGFRRTS[Asp5186Asn]GLSCQDINEC

ClinVar aggregate classification (germline): Uncertain significance (1 of 4 stars; one submission).

Allele frequency attached by ClinVar (database versions not stated): gnomAD exomes 0.00001.
gnomAD v4.1: 10 of 1,614,128 alleles (0.00062%); highest among the groups gnomAD compares: Non-Finnish European, 0.00085%; no homozygotes.

Submission:

Labcorp Genetics (formerly Invitae), Labcorp
Classification: Uncertain significance. Last evaluated: 2021-12-20. Review status: criteria provided, single submitter. Criteria: Invitae Variant Classification Sherloc (09022015). Collection method: clinical testing. Allele origin: germline.
Comment: Algorithms developed to predict the effect of missense changes on protein structure and function are either unavailable or do not agree on the potential impact of this missense change (SIFT: "Tolerated"; PolyPhen-2: "Possibly Damaging"; Align-GVGD: "Class C0"). This sequence change replaces aspartic acid, which is acidic and polar, with asparagine, which is neutral and polar, at codon 5186 of the HMCN1 protein (p.Asp5186Asn). This variant is not present in population databases (gnomAD no frequency). This variant has not been reported in the literature in individuals affected with HMCN1-related conditions. In summary, the available evidence is currently insufficient to determine the role of this variant in disease. Therefore, it has been classified as a Variant of Uncertain Significance.